The following is an entry in ClinVar:

ClinVar aggregate classification (germline): Uncertain significance (1 of 4 stars; one submission).

Conditions:
Duchenne muscular dystrophy (DMD). Also called: MUSCULAR DYSTROPHY, PSEUDOHYPERTROPHIC PROGRESSIVE, DUCHENNE TYPE; Duchenne Muscular Dystrophy (DMD). Identifiers: Orphanet 98896, MedGen C0013264, MONDO:0010679, OMIM 310200.

Submission:

Labcorp Genetics (formerly Invitae), Labcorp
Classification: Uncertain significance for Duchenne muscular dystrophy. Last evaluated: 2023-12-04. Review status: criteria provided, single submitter. Criteria: Invitae Variant Classification Sherloc (09022015). Collection method: clinical testing. Allele origin: germline.
Comment: This sequence change replaces leucine, which is neutral and non-polar, with phenylalanine, which is neutral and non-polar, at codon 2939 of the DMD protein (p.Leu2939Phe). This variant is not present in population databases (gnomAD no frequency). This variant has not been reported in the literature in individuals affected with DMD-related conditions. Advanced modeling of protein sequence and biophysical properties (such as structural, functional, and spatial information, amino acid conservation, physicochemical variation, residue mobility, and thermodynamic stability) performed at Invitae indicates that this missense variant is not expected to disrupt DMD protein function with a negative predictive value of 95%. In summary, the available evidence is currently insufficient to determine the role of this variant in disease. Therefore, it has been classified as a Variant of Uncertain Significance.

NM_004006.3(DMD):c.8815C>T (p.Leu2939Phe)

Gene: DMD (dystrophin; minus strand). Cytogenetic location: Xp21.2.
Variant type: single nucleotide variant.
Coding change: c.8815C>T on transcript NM_004006.3 (MANE Select); coding-DNA position 8815, C replaced by T.
Protein change: p.Leu2939Phe; replaces leucine 2939 with phenylalanine.
Molecular consequence: missense variant.
Genome position (GRCh38, 1-based): chrX:31,478,228, G>A on the plus strand (C>T on the coding strand, the complement: DMD is on the minus strand). VCF-style: chrX-31478228-G-A. GRCh37 (hg19) VCF-style: chrX-31496345-G-A.
Other names: c.8791C>T, p.Leu2931Phe (NM_000109.4); c.8803C>T, p.Leu2935Phe (NM_004009.3); c.8446C>T, p.Leu2816Phe (NM_004010.3); c.4792C>T, p.Leu1598Phe (NM_004011.4); c.4783C>T, p.Leu1595Phe (NM_004012.4); c.1435C>T, p.Leu479Phe (NM_004013.3, NM_004020.4, NM_004021.3 and 2 more transcripts); c.628C>T, p.Leu210Phe (NM_004014.3); short protein forms L1595F, L210F, L2931F, L479F, L1598F, L2935F, L2816F, L2939F.
Identifiers: ClinVar variation 2874732 (VCV002874732.3), dbSNP rs2525296437, ClinGen allele CA412654092.
Genomic context (GRCh38, chrX:31,478,228, plus strand): 5'-ATCCCTTGATCACCTCAGCTTGGCGCAGCTTGAGGTCCAGCTCATCCGTGGCCTCTTGAA[G>A]TTCCCGGAGTCTTTCAAGGGTCTCATCTATTTTTCTCTGCCAGTCAGCGGAGTGCAGGTT-3'
Protein context (NP_003997.2, residues 2929-2949): IDETLERLRE[Leu2939Phe]QEATDELDLK